The following is an entry in ClinVar:

NM_002693.3(POLG):c.1339G>A (p.Glu447Lys)

Gene: POLG (DNA polymerase gamma, catalytic subunit; minus strand). Cytogenetic location: 15q26.1.
Variant type: single nucleotide variant.
Coding change: c.1339G>A on transcript NM_002693.3 (MANE Select); coding-DNA position 1339, G replaced by A.
Protein change: p.Glu447Lys; replaces glutamic acid 447 with lysine.
Molecular consequence: missense variant.
Genome position (GRCh38, 1-based): chr15:89,327,261, C>T on the plus strand (G>A on the coding strand, the complement: POLG is on the minus strand). VCF-style: chr15-89327261-C-T. GRCh37 (hg19) VCF-style: chr15-89870492-C-T.
Other names: c.1339G>A, p.Glu447Lys (NM_001126131.2); short protein forms E447K.
Identifiers: ClinVar variation 1045416 (VCV001045416.9), dbSNP rs2055535022, ClinGen allele CA393762220.
Genomic context (GRCh38, chr15:89,327,261, plus strand): 5'-CCAGATCCATCAACGACTTCTTCATCTCCCGCTGGAGCTCCTCATAAGTGCCCTGTGCCT[C>T]TGCCAGGTAACGCTCCCAGTTCTGGTTGACAGGCAGGTAGGAGACACCCATCTCCAGCAT-3'
Protein context (NP_002684.1, residues 437-457): VNQNWERYLA[Glu447Lys]AQGTYEELQR

ClinVar aggregate classification (germline): Uncertain significance (1 of 4 stars; one submission).

Conditions:
Progressive sclerosing poliodystrophy (MTDPS4A). Also called: NEURONAL DEGENERATION OF CHILDHOOD WITH LIVER DISEASE, PROGRESSIVE; Alpers-Huttenlocher Syndrome (AHS); ALPERS PROGRESSIVE INFANTILE POLIODYSTROPHY; Mitochondrial DNA Depletion Syndrome 4A; Alpers Syndrome; ALPERS DIFFUSE DEGENERATION OF CEREBRAL GRAY MATTER WITH HEPATIC CIRRHOSIS. Identifiers: Orphanet 726, MedGen C0205710, MONDO:0008758, OMIM 203700.

Submission:

Labcorp Genetics (formerly Invitae), Labcorp
Classification: Uncertain significance for Progressive sclerosing poliodystrophy. Last evaluated: 2025-02-24. Review status: criteria provided, single submitter. Criteria: Invitae Variant Classification Sherloc (09022015). Collection method: clinical testing. Allele origin: germline.
Comment: This sequence change replaces glutamic acid, which is acidic and polar, with lysine, which is basic and polar, at codon 447 of the POLG protein (p.Glu447Lys). This variant is not present in population databases (gnomAD no frequency). This variant has not been reported in the literature in individuals affected with POLG-related conditions. ClinVar contains an entry for this variant (Variation ID: 1045416). Invitae Evidence Modeling of protein sequence and biophysical properties (such as structural, functional, and spatial information, amino acid conservation, physicochemical variation, residue mobility, and thermodynamic stability) has been performed for this missense variant. However, the output from this modeling did not meet the statistical confidence thresholds required to predict the impact of this variant on POLG protein function. In summary, the available evidence is currently insufficient to determine the role of this variant in disease. Therefore, it has been classified as a Variant of Uncertain Significance.